The following is an entry in ClinVar:

ClinVar aggregate classification (germline): Uncertain significance (1 of 4 stars; one submission).

Allele frequency attached by ClinVar (database versions not stated): gnomAD exomes below 0.00001.
gnomAD v4.1: 1 of 1,614,022 alleles (0.000062%); highest among the groups gnomAD compares: Non-Finnish European, 0.000085%; no homozygotes.

Submission:

Women's Health and Genetics/Laboratory Corporation of America, LabCorp
Classification: Uncertain significance. Last evaluated: 2024-03-08. Review status: criteria provided, single submitter. Criteria: LabCorp Variant Classification Summary - May 2015. Collection method: clinical testing. Allele origin: germline.
Comment: Variant summary: MACF1 c.3523G>A (p.Gly1175Ser) results in a non-conservative amino acid change in the encoded protein sequence. Three of five in-silico tools predict a benign effect of the variant on protein function. The variant was absent in 251246 control chromosomes (gnomAD). The available data on variant occurrences in the general population are insufficient to allow any conclusion about variant significance. To our knowledge, no occurrence of c.3523G>A in individuals affected with Lissencephaly 9 With Complex Brainstem Malformation and no experimental evidence demonstrating its impact on protein function have been reported. No submitters have cited clinical-significance assessments for this variant to ClinVar. Based on the evidence outlined above, the variant was classified as uncertain significance.

NM_001394062.1(MACF1):c.3508G>A (p.Gly1170Ser)

Gene: MACF1 (microtubule actin crosslinking factor 1; plus strand). Cytogenetic location: 1p34.3.
Variant type: single nucleotide variant.
Coding change: c.3508G>A on transcript NM_001394062.1 (MANE Select); coding-DNA position 3508, G replaced by A.
Protein change: p.Gly1170Ser; replaces glycine 1170 with serine.
Molecular consequence: missense variant.
Genome position (GRCh38, 1-based): chr1:39,316,449, G>A. VCF-style: chr1-39316449-G-A. GRCh37 (hg19) VCF-style: chr1-39782121-G-A.
Other names: c.3523G>A, p.Gly1175Ser (NM_012090.5); short protein forms G1170S, G1175S.
Identifiers: ClinVar variation 3233551 (VCV003233551.2), dbSNP rs2521820019, ClinGen allele CA339783545.